The following is an entry in ClinVar:

ClinVar aggregate classification (germline): Likely pathogenic (1 of 4 stars; one submission).

Conditions:
Developmental and epileptic encephalopathy, 11 (DEE11). Also called: Early infantile epileptic encephalopathy 11. Identifiers: Orphanet 1934, MedGen C3150987, MONDO:0013388, OMIM 613721.
Seizures, benign familial infantile, 3 (BFIS3). Also called: Familial neonatal seizures; CONVULSIONS, BENIGN FAMILIAL INFANTILE, 3. Identifiers: Orphanet 140927, Orphanet 306, MedGen C1843140, MONDO:0011904, OMIM 607745.

Submission:

Labcorp Genetics (formerly Invitae), Labcorp
Classification: Likely pathogenic for Seizures, benign familial infantile, 3; Developmental and epileptic encephalopathy, 11. Last evaluated: 2021-04-06. Review status: criteria provided, single submitter. Criteria: Invitae Variant Classification Sherloc (09022015). Collection method: clinical testing. Allele origin: germline.
Comment: In summary, the currently available evidence indicates that the variant is pathogenic, but additional data are needed to prove that conclusively. Therefore, this variant has been classified as Likely Pathogenic. Algorithms developed to predict the effect of missense changes on protein structure and function are either unavailable or do not agree on the potential impact of this missense change (SIFT: "Deleterious"; PolyPhen-2: "Probably Damaging"; Align-GVGD: "Class C0"). This variant has been observed in individual(s) with SCN2A-related conditions (Invitae). In at least one individual the variant was observed to be de novo. This variant is not present in population databases (ExAC no frequency). This sequence change replaces leucine with isoleucine at codon 222 of the SCN2A protein (p.Leu222Ile). The leucine residue is highly conserved and there is a small physicochemical difference between leucine and isoleucine.

NM_001040142.2(SCN2A):c.664C>A (p.Leu222Ile)

Gene: SCN2A (sodium voltage-gated channel alpha subunit 2; plus strand). Cytogenetic location: 2q24.3.
Variant type: single nucleotide variant.
Coding change: c.664C>A on transcript NM_001040142.2 (MANE Select); coding-DNA position 664, C replaced by A.
Protein change: p.Leu222Ile; replaces leucine 222 with isoleucine.
Molecular consequence: missense variant. On other transcripts: intron variant (2).
Genome position (GRCh38, 1-based): chr2:165,309,410, C>A. VCF-style: chr2-165309410-C-A. GRCh37 (hg19) VCF-style: chr2-166165920-C-A.
Other names: c.664C>A, p.Leu222Ile (NM_001371247.1, NM_021007.3); c.697+154C>A (NM_001040143.2, NM_001371246.1); short protein forms L222I.
Identifiers: ClinVar variation 1507589 (VCV001507589.8), dbSNP rs2105245017, ClinGen allele CA349017507.